The following is an entry in ClinVar:

ClinVar aggregate classification (germline): Uncertain significance (1 of 4 stars; one submission).

gnomAD v4.1: 103 of 151,452 alleles (0.068%); highest among the groups gnomAD compares: African/African-American, 0.24%; no homozygotes.

Submission:

Greenwood Genetic Center Diagnostic Laboratories, Greenwood Genetic Center
Classification: Uncertain significance. Last evaluated: 2026-04-13. Review status: criteria provided, single submitter. Criteria: ACMG Guidelines, 2015. Collection method: clinical testing. Allele origin: germline.
Comment: PM2, BP4

NM_000126.4(ETFA):c.39+3399T>C

Gene: ETFA (electron transfer flavoprotein subunit alpha; minus strand). Cytogenetic location: 15q24.3.
Variant type: single nucleotide variant.
Coding change: c.39+3399T>C on transcript NM_000126.4 (MANE Select); 3399 bases into the intron after coding-DNA position 39, T replaced by C.
Molecular consequence: intron variant.
Genome position (GRCh38, 1-based): chr15:76,307,951, A>G on the plus strand (T>C on the coding strand, the complement: ETFA is on the minus strand). VCF-style: chr15-76307951-A-G. GRCh37 (hg19) VCF-style: chr15-76600292-A-G.
Other names: c.39+3399T>C (NM_001127716.2).
Identifiers: ClinVar variation 4891211 (VCV004891211.1).